The following is an entry in ClinVar:

ClinVar aggregate classification (germline): Uncertain significance. Review status: criteria provided, multiple submitters, no conflicts (2 of 4 stars). 4 submissions from 4 submitters: Uncertain significance (4). Last evaluated 2026-04-22.

Conditions:
Dilated cardiomyopathy 1G (CMD1G). Identifiers: Orphanet 154, MedGen C1858763, MONDO:0011400, OMIM 604145.
Autosomal recessive limb-girdle muscular dystrophy type 2J (LGMDR10). Also called: Limb-girdle muscular dystrophy, type 2J; MUSCULAR DYSTROPHY, LIMB-GIRDLE, AUTOSOMAL RECESSIVE 10. Identifiers: Orphanet 140922, MedGen C1837342, MONDO:0012127, OMIM 608807.
Tibial muscular dystrophy (TMD). Also called: UDD MYOPATHY; Tibial muscular dystrophy, tardive; Udd Distal Myopathy – Tibial Muscular Dystrophy. Identifiers: Orphanet 609, MedGen C1838244, MONDO:0010870, OMIM 600334.
Hypertrophic cardiomyopathy 9. Also called: Familial hypertrophic cardiomyopathy 9. Identifiers: MedGen C1861065, MONDO:0013412, OMIM 613765.
Myopathy, myofibrillar, 9, with early respiratory failure (MFM9). Also called: Hereditary myopathy with early respiratory failure; MYOPATHY, PROXIMAL, WITH EARLY RESPIRATORY MUSCLE INVOLVEMENT; Myopathy, distal, with early respiratory failure, autosomal dominant; EDSTROM MYOPATHY. Identifiers: Orphanet 178464, Orphanet 34521, MedGen C1863599, MONDO:0011362, OMIM 603689.
Early-onset myopathy with fatal cardiomyopathy (CMYO5). Also called: Salih Myopathy; CONGENITAL MYOPATHY 5 WITH CARDIOMYOPATHY. Identifiers: Orphanet 289377, MedGen C2673677, MONDO:0012714, OMIM 611705. Disease mechanism: loss of function.

Allele frequency attached by ClinVar (database versions not stated): TOPMed 0.00006.
gnomAD v4.1: 40 of 1,607,342 alleles (0.0025%); highest among the groups gnomAD compares: Non-Finnish European, 0.0031%; no homozygotes.

Submissions (4):

GeneDx
Classification: Uncertain significance. Last evaluated: 2026-04-22. Review status: criteria provided, single submitter. Criteria: GeneDx Variant Classification Process June 2021. Collection method: clinical testing. Allele origin: germline.
Comment: Not observed at significant frequency in large population cohorts (gnomAD); Missense variant in a gene in which most reported pathogenic variants are truncating/loss of function; Has not been previously published as pathogenic or benign to our knowledge

Fulgent Genetics
Classification: Uncertain significance for Tibial muscular dystrophy; Myopathy, myofibrillar, 9, with early respiratory failure; Dilated cardiomyopathy 1G; Autosomal recessive limb-girdle muscular dystrophy type 2J; Early-onset myopathy with fatal cardiomyopathy; Hypertrophic cardiomyopathy 9. Last evaluated: 2021-11-05. Review status: criteria provided, single submitter. Criteria: ACMG Guidelines, 2015. Collection method: clinical testing. Allele origin: unknown.

Labcorp Genetics (formerly Invitae), Labcorp
Classification: Uncertain significance for Dilated cardiomyopathy 1G; Autosomal recessive limb-girdle muscular dystrophy type 2J. Last evaluated: 2016-09-29. Review status: criteria provided, single submitter. Criteria: Invitae Variant Classification Sherloc (09022015). Collection method: clinical testing. Allele origin: germline.

Laboratory for Molecular Medicine, Mass General Brigham Personalized Medicine
Classification: Uncertain significance. Last evaluated: 2012-05-22. Review status: criteria provided, single submitter. Criteria: LMM Criteria. Collection method: clinical testing. Allele origin: germline. Observed: 1 variant allele.
Comment: The Ala396Thr variant in TTN has not been reported in the literature nor previou sly identified by our laboratory. Computational analyses (biochemical amino acid properties, conservation, AlignGVGD, PolyPhen2, and SIFT) do not provide strong support for or against an impact to the protein. Additional information is need ed to fully assess the clinical significance of this variant.

NM_001267550.2(TTN):c.1186G>A (p.Ala396Thr)

Gene: TTN (titin; minus strand). Cytogenetic location: 2q31.2.
Variant type: single nucleotide variant.
Coding change: c.1186G>A on transcript NM_001267550.2 (MANE Select); coding-DNA position 1186, G replaced by A.
Protein change: p.Ala396Thr; replaces alanine 396 with threonine.
Molecular consequence: missense variant.
Genome position (GRCh38, 1-based): chr2:178,794,981, C>T on the plus strand (G>A on the coding strand, the complement: TTN is on the minus strand). VCF-style: chr2-178794981-C-T. GRCh37 (hg19) VCF-style: chr2-179659708-C-T.
Other names: c.1186G>A, p.Ala396Thr (NM_133378.4, NM_001256850.1, NM_003319.4 and 3 more transcripts); c.1186G>A (NM_001267550.1); short protein forms A396T.
Identifiers: ClinVar variation 46605 (VCV000046605.9), dbSNP rs200052202, ClinGen allele CA138739.